The following is an entry in ClinVar:

ClinVar aggregate classification (germline): Uncertain significance (1 of 4 stars; one submission).

Conditions:
Gastrointestinal stromal tumor. Also called: Gastrointestinal stromal tumor, somatic; Gastrointestinal stroma tumor. Identifiers: Orphanet 44890, MedGen C0238198, MeSH D046152, MONDO:0011719, OMIM 606764, HP:0100723.

Allele frequency attached by ClinVar (database versions not stated): gnomAD exomes below 0.00001; ExAC 0.00001.
gnomAD v4.1: 1 of 1,614,148 alleles (0.000062%); highest among the groups gnomAD compares: Admixed American, 0.0017%; no homozygotes.

Submission:

Labcorp Genetics (formerly Invitae), Labcorp
Classification: Uncertain significance for Gastrointestinal stromal tumor. Last evaluated: 2019-06-30. Review status: criteria provided, single submitter. Criteria: Invitae Variant Classification Sherloc (09022015). Collection method: clinical testing. Allele origin: germline.
Comment: This sequence change replaces asparagine with serine at codon 564 of the KIT protein (p.Asn564Ser). The asparagine residue is highly conserved and there is a small physicochemical difference between asparagine and serine. This variant is present in population databases (rs769483857, ExAC 0.009%). This variant has not been reported in the literature in individuals with KIT-related conditions. Algorithms developed to predict the effect of missense changes on protein structure and function are either unavailable or do not agree on the potential impact of this missense change (SIFT: "Deleterious"; PolyPhen-2: "Benign"; Align-GVGD: "Class C0"). In summary, the available evidence is currently insufficient to determine the role of this variant in disease. Therefore, it has been classified as a Variant of Uncertain Significance.

NM_000222.3(KIT):c.1691A>G (p.Asn564Ser)

Gene: KIT (KIT proto-oncogene, receptor tyrosine kinase; plus strand). Cytogenetic location: 4q12.
Variant type: single nucleotide variant.
Coding change: c.1691A>G on transcript NM_000222.3 (MANE Select); coding-DNA position 1691, A replaced by G.
Protein change: p.Asn564Ser; replaces asparagine 564 with serine.
Molecular consequence: missense variant.
Genome position (GRCh38, 1-based): chr4:54,727,459, A>G. VCF-style: chr4-54727459-A-G. GRCh37 (hg19) VCF-style: chr4-55593625-A-G.
Other names: c.1679A>G, p.Asn560Ser (NM_001093772.2, NM_001385286.1); c.1694A>G, p.Asn565Ser (NM_001385284.1, NM_001385290.1); c.1691A>G, p.Asn564Ser (NM_001385285.1); c.1682A>G, p.Asn561Ser (NM_001385288.1, NM_001385292.1); short protein forms N560S, N564S, N561S, N565S.
Identifiers: ClinVar variation 937735 (VCV000937735.10), dbSNP rs769483857, ClinGen allele CA2923561.